The following is an entry in ClinVar:

NM_182961.4(SYNE1):c.23258G>A (p.Arg7753His)

Gene: SYNE1 (spectrin repeat containing nuclear envelope protein 1; minus strand). Cytogenetic location: 6q25.2.
Variant type: single nucleotide variant.
Coding change: c.23258G>A on transcript NM_182961.4 (MANE Select); coding-DNA position 23258, G replaced by A.
Protein change: p.Arg7753His; replaces arginine 7753 with histidine.
Molecular consequence: missense variant.
Genome position (GRCh38, 1-based): chr6:152,189,295, C>T on the plus strand (G>A on the coding strand, the complement: SYNE1 is on the minus strand). VCF-style: chr6-152189295-C-T. GRCh37 (hg19) VCF-style: chr6-152510430-C-T.
Other names: c.23258G>A (NM_182961.2); c.23045G>A, p.Arg7682His (NM_033071.5); short protein forms R7753H, R7682H.
Identifiers: ClinVar variation 565827 (VCV000565827.10), dbSNP rs779568455, ClinGen allele CA4053653.

ClinVar aggregate classification (germline): Uncertain significance. Review status: criteria provided, multiple submitters, no conflicts (2 of 4 stars). 5 submissions from 5 submitters: Uncertain significance (5). Last evaluated 2025-06-23.

Conditions:
Emery-Dreifuss muscular dystrophy 4, autosomal dominant (EDMD4). Also called: EMERY-DREIFUSS MUSCULAR DYSTROPHY 4 WITH VARIABLE FEATURES. Identifiers: Orphanet 261, MedGen C2751807, MONDO:0013071, OMIM 612998.
Autosomal recessive ataxia, Beauce type. Also called: SYNE1-Related Autosomal Recessive Cerebellar Ataxia; Spinocerebellar ataxia, autosomal recessive 8; ATAXIA, RECESSIVE, OF BEAUCE; SYNE1 Deficiency. Identifiers: Orphanet 88644, MedGen C1853116, MONDO:0012549, OMIM 610743.

Allele frequency attached by ClinVar (database versions not stated): gnomAD 0.00001; TOPMed 0.00002; gnomAD exomes 0.00003 and 0.00005; ExAC 0.00005.
gnomAD v4.1: 43 of 1,613,810 alleles (0.0027%); highest among the groups gnomAD compares: Admixed American, 0.012%; no homozygotes.

Submissions (5):

Athena Diagnostics
Classification: Uncertain significance. Last evaluated: 2025-06-23. Review status: criteria provided, single submitter. Criteria: Athena Diagnostics Criteria. Collection method: clinical testing. Allele origin: unknown.
Comment: Available data are insufficient to determine the clinical significance of the variant at this time. The frequency of this variant in the general population is uninformative in assessment of its pathogenicity. Polyphen and MutationTaster yielded discordant predictions regarding whether this amino acid change is damaging to the protein.

GeneDx
Classification: Uncertain significance. Last evaluated: 2022-12-12. Review status: criteria provided, single submitter. Criteria: GeneDx Variant Classification Process June 2021. Collection method: clinical testing. Allele origin: germline. Affected: yes.
Comment: In silico analysis supports that this missense variant has a deleterious effect on protein structure/function; Has not been previously published as pathogenic or benign to our knowledge

Labcorp Genetics (formerly Invitae), Labcorp
Classification: Uncertain significance for Emery-Dreifuss muscular dystrophy 4, autosomal dominant; Autosomal recessive ataxia, Beauce type. Last evaluated: 2022-08-09. Review status: criteria provided, single submitter. Criteria: Invitae Variant Classification Sherloc (09022015). Collection method: clinical testing. Allele origin: germline.
Comment: This sequence change replaces arginine, which is basic and polar, with histidine, which is basic and polar, at codon 7682 of the SYNE1 protein (p.Arg7682His). This variant is present in population databases (rs779568455, gnomAD 0.02%). This variant has not been reported in the literature in individuals affected with SYNE1-related conditions. ClinVar contains an entry for this variant (Variation ID: 565827). Algorithms developed to predict the effect of missense changes on protein structure and function (SIFT, PolyPhen-2, Align-GVGD) all suggest that this variant is likely to be disruptive. In summary, the available evidence is currently insufficient to determine the role of this variant in disease. Therefore, it has been classified as a Variant of Uncertain Significance.

Revvity Omics, Revvity
Classification: Uncertain significance. Last evaluated: 2021-06-10. Review status: criteria provided, single submitter. Criteria: ACMG Guidelines, 2015. Collection method: clinical testing. Allele origin: germline.

Breakthrough Genomics
Classification: Uncertain significance. Review status: criteria provided, single submitter. Criteria: ACMG Guidelines, 2015. Collection method: not provided. Allele origin: germline. Inheritance: Autosomal recessive inheritance. Affected: yes.

Literature cited by the submitters: PubMed 29420653 (cited by Athena Diagnostics).